The following is an entry in ClinVar:

ClinVar aggregate classification (germline): Likely benign. Review status: criteria provided, multiple submitters, no conflicts (2 of 4 stars). 2 submissions from 2 submitters: Likely benign (2). Last evaluated 2021-05-24.

Allele frequency attached by ClinVar (database versions not stated): gnomAD 0.01015 and 0.01070; TOPMed 0.01161; 1000 Genomes Project 0.01498; 1000 Genomes Project 30x 0.01546.
gnomAD v4.1: 3,770 of 1,472,726 alleles (0.26%); highest among the groups gnomAD compares: African/African-American, 3.4%; 38 homozygotes.

Submissions (2):

GeneDx
Classification: Likely benign. Last evaluated: 2021-05-24. Review status: criteria provided, single submitter. Criteria: GeneDx Variant Classification Process June 2021. Collection method: clinical testing. Allele origin: germline. Affected: yes.
Comment: See Variant Classification Assertion Criteria.

Breakthrough Genomics
Classification: Likely benign. Review status: criteria provided, single submitter. Criteria: ACMG Guidelines, 2015. Collection method: not provided. Allele origin: germline. Inheritance: Autosomal dominant inheritance. Affected: yes.

NM_001282684.2(KCTD17):c.487-113G>A

Gene: KCTD17 (potassium channel tetramerization domain containing 17; plus strand). Cytogenetic location: 22q12.3.
Variant type: single nucleotide variant.
Coding change: c.487-113G>A on transcript NM_001282684.2 (MANE Select); 113 bases into the intron before coding-DNA position 487, G replaced by A.
Molecular consequence: intron variant.
Genome position (GRCh38, 1-based): chr22:37,059,200, G>A. VCF-style: chr22-37059200-G-A. GRCh37 (hg19) VCF-style: chr22-37455240-G-A.
Other names: c.487-113G>A (NM_024681.4, NM_001282685.2, NM_001282686.2).
Identifiers: ClinVar variation 1686677 (VCV001686677.3), dbSNP rs6000545, ClinGen allele CA324036029.
Genomic context (GRCh38, chr22:37,059,200, plus strand): 5'-AGACTCCACCTTCCTGCCCAGAGGTGCCCTCTACAAACCCAGGAGTGGGCCCGACAAGCC[G>A]CAAGATTAGGACCTGAGCTGGTATCTTGATTTGAGTGCCGAGGTCTGTCGTATCCTGCCC-3'